The following is an entry in ClinVar:

ClinVar aggregate classification (germline): Conflicting classifications of pathogenicity. Review status: criteria provided, conflicting classifications (1 of 4 stars). 3 submissions from 3 submitters: Uncertain significance (1); Likely benign (2). Last evaluated 2026-09-21.

Conditions:
TTN-related disorder. Also called: TTN-related disorders; TTN-related condition; TTN-related disease.

Allele frequency attached by ClinVar (database versions not stated): gnomAD 0.00007 and 0.00006; TOPMed 0.00007; gnomAD exomes 0.00001.
gnomAD v4.1: 30 of 1,613,734 alleles (0.0019%); highest among the groups gnomAD compares: African/African-American, 0.033%; no homozygotes.

Submissions (3):

Molecular Diagnostic Laboratory for Inherited Cardiovascular Disease, Montreal Heart Institute
Classification: Likely benign. Last evaluated: 2026-09-21. Review status: criteria provided, single submitter. Criteria: ACMG Guidelines, 2015. Collection method: clinical testing. Allele origin: germline. Affected: no.
Comment: BP1

PreventionGenetics, part of Exact Sciences
Classification: Uncertain significance for TTN-related condition. Last evaluated: 2026-08-25. Review status: criteria provided, single submitter. Criteria: ACMG Guidelines, 2015. Collection method: clinical testing. Allele origin: germline.
Comment: The TTN c.11565T>A variant is predicted to result in the amino acid substitution p.Phe3855Leu. This variant has been reported in an individual affected with dilated cardiomyopathy (Table S3 in Mazzarotto et al. 2020. PubMed ID: 31983221). This variant is reported in 0.025% of alleles in individuals of African descent in gnomAD. At this time, the clinical significance of this variant is uncertain due to the absence of conclusive functional and genetic evidence.

GeneDx
Classification: Likely benign. Last evaluated: 2018-05-23. Review status: criteria provided, single submitter. Criteria: GeneDx Variant Classification (06012015). Collection method: clinical testing. Allele origin: germline. Affected: yes.
Comment: This variant is considered likely benign or benign based on one or more of the following criteria: it is a conservative change, it occurs at a poorly conserved position in the protein, it is predicted to be benign by multiple in silico algorithms, and/or has population frequency not consistent with disease.

NM_001267550.2(TTN):c.11565T>A (p.Phe3855Leu)

Gene: TTN (titin; minus strand). Cytogenetic location: 2q31.2.
Variant type: single nucleotide variant.
Coding change: c.11565T>A on transcript NM_001267550.2 (MANE Select); coding-DNA position 11565, T replaced by A.
Protein change: p.Phe3855Leu; replaces phenylalanine 3855 with leucine.
Molecular consequence: missense variant. On other transcripts: intron variant (1).
Genome position (GRCh38, 1-based): chr2:178,741,668, A>T on the plus strand (T>A on the coding strand, the complement: TTN is on the minus strand). VCF-style: chr2-178741668-A-T. GRCh37 (hg19) VCF-style: chr2-179606395-A-T.
Other names: c.10614T>A, p.Phe3538Leu (NM_001256850.1); c.10476T>A, p.Phe3492Leu (NM_003319.4); c.10851T>A, p.Phe3617Leu (NM_133432.3); c.11052T>A, p.Phe3684Leu (NM_133437.4); c.10361-3308T>A (NM_133378.4); short protein forms F3492L, F3538L, F3617L, F3684L, F3855L.
Identifiers: ClinVar variation 668698 (VCV000668698.3), dbSNP rs1051510859, ClinGen allele CA60984774.